The following is an entry in ClinVar:

ClinVar aggregate classification (germline): Conflicting classifications of pathogenicity. Review status: criteria provided, conflicting classifications (1 of 4 stars). 10 submissions from 10 submitters: Uncertain significance (6); Likely benign (3). 1 of the submissions does not count toward it. Last evaluated 2026-01-05.

Conditions:
Hereditary cancer-predisposing syndrome. Also called: Hereditary Cancer Syndrome; Hereditary neoplastic syndrome; Neoplastic Syndromes, Hereditary; Tumor predisposition. Identifiers: Orphanet 140162, MedGen C0027672, MeSH D009386, MONDO:0015356.
Breast-ovarian cancer, familial, susceptibility to, 1 (BROVCA1). Also called: BRCA1 Hereditary Breast and Ovarian Cancer; OVARIAN CANCER, SUSCEPTIBILITY TO. Identifiers: Orphanet 145, MedGen C2676676, MONDO:0011450, OMIM 604370. Disease mechanism: loss of function.
BRCA1-related cancer predisposition. Identifiers: MedGen CN377757, MONDO:0700268.
Hereditary breast ovarian cancer syndrome. Also called: BRCA1- and BRCA2-Associated Hereditary Breast and Ovarian Cancer; Hereditary breast and ovarian cancer syndrome; Hereditary breast and ovarian cancer syndrome (HBOC); Breast and ovarian cancer; Hereditary breast and/or ovarian cancer syndrome; Hereditary breast and ovarian cancer. Identifiers: Orphanet 145, MedGen C0677776, MeSH D061325, MONDO:0003582. Disease mechanism: loss of function.

Allele frequency attached by ClinVar (database versions not stated): gnomAD exomes below 0.00001.
gnomAD v4.1: 1 of 1,614,170 alleles (0.000062%); highest among the groups gnomAD compares: Non-Finnish European, 0.000085%; no homozygotes.

Submissions (10):

Labcorp Genetics (formerly Invitae), Labcorp
Classification: Likely benign for Hereditary breast ovarian cancer syndrome. Last evaluated: 2026-01-05. Review status: criteria provided, single submitter. Criteria: Invitae Variant Classification Sherloc (09022015). Collection method: clinical testing. Allele origin: germline.

Myriad Genetics, Inc.
Classification: Likely benign for Breast-ovarian cancer, familial, susceptibility to, 1. Last evaluated: 2025-12-18. Review status: criteria provided, single submitter. Criteria: Myriad Autosomal Dominant, Autosomal Recessive and X-Linked Classification Criteria (2023). Collection method: clinical testing. Allele origin: unknown.
Comment: This variant is considered likely benign. This variant is strongly associated with less severe personal and family histories of cancer, typical for individuals without pathogenic variants in this gene [PMID: 25085752].

Women's Health and Genetics/Laboratory Corporation of America, LabCorp
Classification: Likely benign. Last evaluated: 2025-09-25. Review status: criteria provided, single submitter. Criteria: LabCorp Variant Classification Summary - May 2015. Collection method: clinical testing. Allele origin: germline.
Comment: Variant summary: BRCA1 c.4733A>G (p.Asp1578Gly) results in a non-conservative amino acid change in the encoded protein sequence. Algorithms developed to predict the effect of missense changes on protein structure and function are either unavailable or do not agree on the potential impact of this missense change. The variant was absent in 251314 control chromosomes. The available data on variant occurrences in the general population are insufficient to allow any conclusion about variant significance. c.4733A>G has been reported in the literature as VUS in individuals with breast cancer (Guindalini_2022), pancreatic cancer (Yin_2022), and individuals with family history of breast and/or ovarian cancer (Weitzel_2005). These report(s) do not provide unequivocal conclusions about association of the variant with Hereditary Breast And Ovarian Cancer Syndrome. At least one publication reports experimental evidence evaluating an impact on protein function. These results showed no damaging effect of this variant in a transcriptional activation (TA) assay to determine the functional impact of missense variants coupled with VarCall, a Bayesian hierarchical model to estimate the likelihood of pathogenicity given the functional data (Woods_2016). Furthermore, multifactorial probability models predict a likely benign (IARC class 2) outcome (example, Parsons_2019). The following publications have been ascertained in the context of this evaluation (PMID: 31294896, 35264596, 31112341, 31131967, 16030099, 28781887, 35171259). ClinVar contains an entry for this variant (Variation ID: 55274). Based on the evidence outlined above, the variant was classified as likely benign.

Quest Diagnostics Nichols Institute San Juan Capistrano
Classification: Uncertain significance. Last evaluated: 2025-08-13. Review status: criteria provided, single submitter. Criteria: Quest Diagnostics criteria. Collection method: clinical testing. Allele origin: unknown.
Comment: The BRCA1 c.4733A>G (p.Asp1578Gly) variant has been reported in the published literature in individuals with a personal or family history of breast cancer and/or ovarian cancer (PMIDs: 35264596 (2022), 16030099 (2005)), and pancreatic cancer (PMID: 35171259 (2022)). Functional evidence suggests that this variant may impact protein function (PMID: 35196514 (2022)). This variant has not been reported in large, multi-ethnic general populations (Genome Aggregation Database). Analysis of this variant using bioinformatics tools for the prediction of the effect of amino acid changes on protein structure and function yielded predictions that this variant is benign. Based on the available information, we are unable to determine the clinical significance of this variant.

Ambry Genetics
Classification: Uncertain significance for Hereditary cancer-predisposing syndrome. Last evaluated: 2024-10-01. Review status: criteria provided, single submitter. Criteria: Ambry Variant Classification Scheme 2023. Collection method: clinical testing. Allele origin: germline.
Comment: The p.D1578G variant (also known as c.4733A>G), located in coding exon 14 of the BRCA1 gene, results from an A to G substitution at nucleotide position 4733. The aspartic acid at codon 1578 is replaced by glycine, an amino acid with similar properties. This alteration has been identified in multiple individuals diagnosed with breast and/or ovarian cancer (Weitzel JN et al. Cancer Epidemiol Biomarkers Prev, 2005 Jul;14:1666-71; Guindalini RSC et al. Sci Rep, 2022 Mar;12:4190). This amino acid position is not well conserved in available vertebrate species. In addition, the in silico prediction for this alteration is inconclusive. Based on the available evidence, the clinical significance of this variant remains unclear.

All of Us Research Program, National Institutes of Health
Classification: Uncertain significance for BRCA1-related cancer predisposition. Last evaluated: 2024-07-10. Review status: criteria provided, single submitter. Criteria: ACMG Guidelines, 2015. Collection method: clinical testing. Allele origin: germline. Inheritance: Autosomal dominant inheritance. Observed: 2 variant alleles, 2 heterozygotes.
Comment: This missense variant replaces aspartic acid with glycine at codon 1578 of the BRCA1 protein. Computational prediction is inconclusive regarding the impact of this variant on protein structure and function (internally defined REVEL score threshold 0.5 < inconclusive < 0.7, PMID: 27666373). To our knowledge, functional studies have not been reported for this variant. This variant has been reported in at least one suspected hereditary breast and ovarian cancer family (PMID: 16030099) and in a multifactorial analysis that stated a family history likelihood ratio for pathogenicity of 0.4825 (PMID: 31131967). This variant has not been identified in the general population by the Genome Aggregation Database (gnomAD). The available evidence is insufficient to determine the role of this variant in disease conclusively. Therefore, this variant is classified as a Variant of Uncertain Significance.

This study involves interpretation of variants in research participants for the purpose of population health screening. Participant phenotype was not available at the time of variant classification. Additional details can be found in publication PMID: 35346344, PMCID: PMC8962531

Color Diagnostics, LLC DBA Color Health
Classification: Uncertain significance for Hereditary cancer-predisposing syndrome. Last evaluated: 2023-11-13. Review status: criteria provided, single submitter. Criteria: ACMG Guidelines, 2015. Collection method: clinical testing. Allele origin: germline.
Comment: This missense variant replaces aspartic acid with glycine at codon 1578 of the BRCA1 protein. Computational prediction is inconclusive regarding the impact of this variant on protein structure and function. To our knowledge, functional studies have not been reported for this variant. This variant has been reported in at least one suspected hereditary breast and ovarian cancer family (PMID: 16030099) and a multifactorial analysis has reported likelihood ratios for pathogenicity based on co-occurrence with a pathogenic variant and family history of 1.0331 and 0.4825, respectively (PMID: 31131967). This variant has not been identified in the general population by the Genome Aggregation Database (gnomAD). The available evidence is insufficient to determine the role of this variant in disease conclusively. Therefore, this variant is classified as a Variant of Uncertain Significance.

Baylor Genetics
Classification: Uncertain significance for Breast-ovarian cancer, familial, susceptibility to, 1. Last evaluated: 2023-05-31. Review status: criteria provided, single submitter. Criteria: ACMG Guidelines, 2015. Collection method: clinical testing. Allele origin: unknown.

Mendelics
Classification: Uncertain significance for Breast-ovarian cancer, familial, susceptibility to, 1. Last evaluated: 2019-05-28. Review status: criteria provided, single submitter. Criteria: Mendelics Assertion Criteria 2017. Collection method: clinical testing. Allele origin: unknown.

Breast Cancer Information Core (BIC) (BRCA1)
Classification: Uncertain significance for Breast-ovarian cancer, familial 1. Last evaluated: 2003-12-23. Review status: no assertion criteria provided. Collection method: clinical testing. Allele origin: germline. Affected: yes. Observed: 1 variant allele. Not counted in ClinVar's aggregate classification.

Literature cited by the submitters: PubMed 25085752 (cited by Myriad Genetics, Inc.); PubMed 16030099 (cited by 5 submitters); PubMed 28781887 (cited by Women's Health and Genetics/Laboratory Corporation of America, LabCorp and Quest Diagnostics Nichols Institute San Juan Capistrano); PubMed 31131967 (cited by 4 submitters); PubMed 31112341 (cited by Women's Health and Genetics/Laboratory Corporation of America, LabCorp and Quest Diagnostics Nichols Institute San Juan Capistrano); PubMed 31294896 (cited by Women's Health and Genetics/Laboratory Corporation of America, LabCorp and Quest Diagnostics Nichols Institute San Juan Capistrano); PubMed 35264596 (cited by 3 submitters); PubMed 35171259 (cited by Women's Health and Genetics/Laboratory Corporation of America, LabCorp and Quest Diagnostics Nichols Institute San Juan Capistrano); PubMed 23704879 (cited by Quest Diagnostics Nichols Institute San Juan Capistrano); PubMed 28569743 (cited by Quest Diagnostics Nichols Institute San Juan Capistrano); PubMed 29884841 (cited by Quest Diagnostics Nichols Institute San Juan Capistrano); PubMed 30765603 (cited by Quest Diagnostics Nichols Institute San Juan Capistrano); PubMed 31853058 (cited by Quest Diagnostics Nichols Institute San Juan Capistrano); PubMed 31911673 (cited by Quest Diagnostics Nichols Institute San Juan Capistrano); PubMed 32377563 (cited by Quest Diagnostics Nichols Institute San Juan Capistrano); PubMed 33087888 (cited by Quest Diagnostics Nichols Institute San Juan Capistrano); PubMed 35665744 (cited by Quest Diagnostics Nichols Institute San Juan Capistrano); PubMed 38153744 (cited by Quest Diagnostics Nichols Institute San Juan Capistrano); PubMed 35196514 (cited by Quest Diagnostics Nichols Institute San Juan Capistrano).

NM_007294.4(BRCA1):c.4733A>G (p.Asp1578Gly)

Gene: BRCA1 (BRCA1 DNA repair associated; minus strand). Cytogenetic location: 17q21.31.
Variant type: single nucleotide variant.
Coding change: c.4733A>G on transcript NM_007294.4 (MANE Select); coding-DNA position 4733, A replaced by G.
Protein change: p.Asp1578Gly; replaces aspartic acid 1578 with glycine.
Molecular consequence: missense variant. On other transcripts: non-coding transcript variant (1).
Genome position (GRCh38, 1-based): chr17:43,071,181, T>C on the plus strand (A>G on the coding strand, the complement: BRCA1 is on the minus strand). VCF-style: chr17-43071181-T-C. GRCh37 (hg19) VCF-style: chr17-41223198-T-C.
Other names: c.4592A>G, p.Asp1531Gly (NM_001407724.1, NM_001407725.1, NM_001407726.1 and 13 more transcripts); c.4589A>G, p.Asp1530Gly (NM_001407732.1, NM_001407733.1, NM_001407943.1 and 21 more transcripts); c.4586A>G, p.Asp1529Gly (NM_001407848.1, NM_001407849.1, NM_001407850.1 and 12 more transcripts); c.4733A>G, p.Asp1578Gly (NM_001407854.1, NM_001407593.1, NM_001407594.1 and 8 more transcripts); c.4730A>G, p.Asp1577Gly (NM_001407858.1, NM_001407859.1, NM_001407860.1 and 17 more transcripts); c.4463A>G, p.Asp1488Gly (NM_001407935.1, NM_001407936.1, NM_001407934.1); c.4610A>G, p.Asp1537Gly (NM_001407937.1, NM_001407938.1, NM_001407664.1 and 6 more transcripts); c.4607A>G, p.Asp1536Gly (NM_001407939.1, NM_001407940.1, NM_001407679.1 and 11 more transcripts); and 70 more; short protein forms D1578G, D1599G, D474G, D1531G, D1451G, D1488G, D1490G, D1559G.
Identifiers: ClinVar variation 55274 (VCV000055274.29), dbSNP rs80356930, ClinGen allele CA002997.